The following is an entry in ClinVar:

NM_003750.4(EIF3A):c.3088C>T (p.Arg1030Ter)

Gene: EIF3A (eukaryotic translation initiation factor 3 subunit A; minus strand). Cytogenetic location: 10q26.11.
Variant type: single nucleotide variant.
Coding change: c.3088C>T on transcript NM_003750.4 (MANE Select); coding-DNA position 3088, C replaced by T.
Protein change: p.Arg1030Ter; replaces arginine 1030 with a stop codon.
Molecular consequence: nonsense.
Genome position (GRCh38, 1-based): chr10:119,042,432, G>A on the plus strand (C>T on the coding strand, the complement: EIF3A is on the minus strand). VCF-style: chr10-119042432-G-A. GRCh37 (hg19) VCF-style: chr10-120801944-G-A.
Other names: NC_000010.10:g.120801944G>A; c.3088C>T (NM_003750.2); short protein forms R1030*.
Identifiers: ClinVar variation 4360444 (VCV004360444.2).
Genomic context (GRCh38, chr10:119,042,432, plus strand): 5'-GCCTCGGCCCCCGGTCATCATCCATCCCACGTCTTGGTCCTCTGTCCTCATCAGCTGTTC[G>A]CCAGCTTCCTCTGTCCTCATCCAGTCCTCGTCTAGGTGGTCTGTCATCATCCGCATGACG-3'

ClinVar aggregate classification (germline): Uncertain significance (1 of 4 stars; one submission).

Submissions (2):

GeneDx
Classification: Uncertain significance. Last evaluated: 2024-09-19. Review status: criteria provided, single submitter. Criteria: GeneDx Variant Classification Process June 2021. Collection method: clinical testing. Allele origin: germline. Affected: yes.
Comment: Not observed at significant frequency in large population cohorts (gnomAD); Nonsense variant predicted to result in protein truncation or nonsense mediated decay in a gene or region of a gene for which loss of function is not a well-established mechanism of disease; Has not been previously published as pathogenic or benign to our knowledge; Variants in candidate genes are classified as variants of uncertain significance in accordance with ACMG guidelines (PMID: 25741868)

Dr. Peter K. Rogan Lab, Western University
No classification provided (evidence only). Condition: Gastric cancer. Review status: no classification provided. Collection method: in vitro. Allele origin: not applicable. Functional consequence: retained intron. Not counted in ClinVar's aggregate classification.